The following is an entry in ClinVar:

ClinVar aggregate classification (germline): Conflicting classifications of pathogenicity. Review status: criteria provided, conflicting classifications (1 of 4 stars). 3 submissions from 3 submitters: Uncertain significance (2); Likely benign (1). Last evaluated 2025-05-19.

Conditions:
Nephrolithiasis/nephrocalcinosis. Identifiers: MedGen CN580796.
Autosomal dominant hypocalcemia 1 (HYPOC1). Also called: HYPOCALCEMIA, FAMILIAL. Identifiers: MedGen C3715128, MONDO:0011013, OMIM 601198.
Familial hypocalciuric hypercalcemia (FHH). Also called: Familial benign hypercalcemia. Identifiers: Orphanet 405, MedGen C1809471, MONDO:0018458.

Allele frequency attached by ClinVar (database versions not stated): gnomAD 0.00001; TOPMed 0.00001.

Submissions (3):

Labcorp Genetics (formerly Invitae), Labcorp
Classification: Likely benign for Familial hypocalciuric hypercalcemia; Autosomal dominant hypocalcemia 1. Last evaluated: 2025-05-19. Review status: criteria provided, single submitter. Criteria: Invitae Variant Classification Sherloc (09022015). Collection method: clinical testing. Allele origin: germline.

Ambry Genetics
Classification: Uncertain significance for Nephrolithiasis/nephrocalcinosis. Last evaluated: 2023-08-05. Review status: criteria provided, single submitter. Criteria: Ambry Variant Classification Scheme 2023. Collection method: clinical testing. Allele origin: germline.
Comment: The p.E282D variant (also known as c.846G>C), located in coding exon 3 of the CASR gene, results from a G to C substitution at nucleotide position 846. The glutamic acid at codon 282 is replaced by aspartic acid, an amino acid with highly similar properties. This amino acid position is conserved. In addition, the in silico prediction for this alteration is inconclusive. Since supporting evidence is limited at this time, the clinical significance of this alteration remains unclear.

Blueprint Genetics
Classification: Uncertain significance. Last evaluated: 2019-11-25. Review status: criteria provided, single submitter. Criteria: ACMG Guidelines, 2015. Collection method: clinical testing. Allele origin: germline.

NM_000388.4(CASR):c.846G>C (p.Glu282Asp)

Gene: CASR (calcium sensing receptor; plus strand). Cytogenetic location: 3q21.1.
Variant type: single nucleotide variant.
Coding change: c.846G>C on transcript NM_000388.4 (MANE Select); coding-DNA position 846, G replaced by C.
Protein change: p.Glu282Asp; replaces glutamic acid 282 with aspartic acid.
Molecular consequence: missense variant.
Genome position (GRCh38, 1-based): chr3:122,261,881, G>C. VCF-style: chr3-122261881-G-C. GRCh37 (hg19) VCF-style: chr3-121980728-G-C.
Other names: c.846G>C, p.Glu282Asp (NM_001178065.2); short protein forms E282D.
Identifiers: ClinVar variation 849568 (VCV000849568.13), dbSNP rs199729084, ClinGen allele CA82738592.